The following is an entry in ClinVar:

NM_001854.4(COL11A1):c.1777G>A (p.Glu593Lys)

Gene: COL11A1 (collagen type XI alpha 1 chain; minus strand). Cytogenetic location: 1p21.1.
Variant type: single nucleotide variant.
Coding change: c.1777G>A on transcript NM_001854.4 (MANE Select); coding-DNA position 1777, G replaced by A.
Protein change: p.Glu593Lys; replaces glutamic acid 593 with lysine.
Molecular consequence: missense variant. On other transcripts: non-coding transcript variant (1).
Genome position (GRCh38, 1-based): chr1:103,006,082, C>T on the plus strand (G>A on the coding strand, the complement: COL11A1 is on the minus strand). VCF-style: chr1-103006082-C-T. GRCh37 (hg19) VCF-style: chr1-103471638-C-T.
Other names: DFNA37; c.1660G>A, p.Glu554Lys (NM_001190709.2); c.1813G>A, p.Glu605Lys (NM_080629.3); c.1429G>A, p.Glu477Lys (NM_080630.4); short protein forms E477K, E554K, E593K, E605K.
Identifiers: ClinVar variation 3393390 (VCV003393390.2).

ClinVar aggregate classification (germline): Uncertain significance. Review status: criteria provided, multiple submitters, no conflicts (2 of 4 stars). 2 submissions from 2 submitters: Uncertain significance (2). Last evaluated 2025-03-19.

Conditions:
Hearing loss, autosomal dominant 37. Also called: DEAFNESS, AUTOSOMAL DOMINANT 37. Identifiers: MedGen C4760307, MONDO:0032802, OMIM 618533.

Submissions (2):

Labcorp Genetics (formerly Invitae), Labcorp
Classification: Uncertain significance. Last evaluated: 2025-03-19. Review status: criteria provided, single submitter. Criteria: Invitae Variant Classification Sherloc (09022015). Collection method: clinical testing. Allele origin: germline.
Comment: This sequence change replaces glutamic acid, which is acidic and polar, with lysine, which is basic and polar, at codon 593 of the COL11A1 protein (p.Glu593Lys). This variant is not present in population databases (gnomAD no frequency). This variant has not been reported in the literature in individuals affected with COL11A1-related conditions. ClinVar contains an entry for this variant (Variation ID: 3393390). Invitae Evidence Modeling of protein sequence and biophysical properties (such as structural, functional, and spatial information, amino acid conservation, physicochemical variation, residue mobility, and thermodynamic stability) indicates that this missense variant is not expected to disrupt COL11A1 protein function with a negative predictive value of 80%. In summary, the available evidence is currently insufficient to determine the role of this variant in disease. Therefore, it has been classified as a Variant of Uncertain Significance.

Laboratory of Prof. Karen Avraham, Tel Aviv University
Classification: Uncertain significance for Hearing loss, autosomal dominant 37. Last evaluated: 2024-12-25. Review status: criteria provided, single submitter. Criteria: ACMG Guidelines, 2015. Collection method: research. Allele origin: germline. Affected: yes. Observed: 1 variant allele.